The following is an entry in ClinVar:

NM_006492.3(ALX3):c.437T>G (p.Leu146Trp)

Gene: ALX3 (ALX homeobox 3; minus strand). Cytogenetic location: 1p13.3.
Variant type: single nucleotide variant.
Coding change: c.437T>G on transcript NM_006492.3 (MANE Select); coding-DNA position 437, T replaced by G.
Protein change: p.Leu146Trp; replaces leucine 146 with tryptophan.
Molecular consequence: missense variant.
Genome position (GRCh38, 1-based): chr1:110,064,744, A>C on the plus strand (T>G on the coding strand, the complement: ALX3 is on the minus strand). VCF-style: chr1-110064744-A-C. GRCh37 (hg19) VCF-style: chr1-110607366-A-C.
Other names: short protein forms L146W.
Identifiers: ClinVar variation 3346221 (VCV003346221.2).

ClinVar aggregate classification (germline): Uncertain significance. Review status: criteria provided, single submitter (1 of 4 stars). 2 submissions from 2 submitters: Uncertain significance (1). 1 of the submissions does not count toward it. Last evaluated 2024-11-29.

Conditions:
ALX3-related disorder. Also called: ALX3-related condition.
Inborn genetic diseases. Identifiers: MedGen C0950123, MeSH D030342.

Submissions (2):

Ambry Genetics
Classification: Uncertain significance for Inborn genetic diseases. Last evaluated: 2024-11-29. Review status: criteria provided, single submitter. Criteria: Ambry Variant Classification Scheme 2023. Collection method: clinical testing. Allele origin: germline.

PreventionGenetics, part of Exact Sciences
Classification: Uncertain significance for ALX3-related condition. Last evaluated: 2024-06-03. Review status: no assertion criteria provided. Collection method: clinical testing. Allele origin: germline. Not counted in ClinVar's aggregate classification.
Comment: The ALX3 c.437T>G variant is predicted to result in the amino acid substitution p.Leu146Trp. To our knowledge, this variant has not been reported in the literature. This variant is reported in 0.020% of alleles in individuals of Latino descent in gnomAD. At this time, the clinical significance of this variant is uncertain due to the absence of conclusive functional and genetic evidence.